The following is an entry in ClinVar:

ClinVar aggregate classification (germline): Pathogenic/Likely pathogenic. Review status: criteria provided, multiple submitters, no conflicts (2 of 4 stars). 12 submissions from 12 submitters: Pathogenic (11); Likely pathogenic (1). Last evaluated 2025-11-17.

Conditions:
SGSH-related disorder. Also called: SGSH-related condition.
Sanfilippo syndrome. Also called: Sanfilippo disease; Mucopolysaccharidosis Type III; Mucopolysaccharidosis type 3. Identifiers: Orphanet 581, MedGen C0026706, MONDO:0018937.
Mucopolysaccharidosis, MPS-III-A (MPS3A). Also called: HEPARAN SULFATE SULFATASE DEFICIENCY; SANFILIPPO SYNDROME A; SULFAMIDASE DEFICIENCY; Mucopolysaccharidosis, type IIIA; MUCOPOLYSACCHARIDOSIS, TYPE IIIA, ATTENUATED; MPS III A. Identifiers: Orphanet 581, Orphanet 79269, MedGen C0086647, MONDO:0009655, OMIM 252900.

Allele frequency attached by ClinVar (database versions not stated): ExAC below 0.00001; TOPMed below 0.00001; gnomAD 0.00001; gnomAD exomes 0.00001.

Submissions (12):

3billion
Classification: Pathogenic for Mucopolysaccharidosis, MPS-III-A. Last evaluated: 2025-11-17. Review status: criteria provided, single submitter. Criteria: ACMG Guidelines, 2015. Collection method: clinical testing. Allele origin: germline. Affected: yes.
Comment: The variant is observed at an extremely low frequency in the gnomAD v4.1.0 dataset (total allele frequency: <0.001%). Predicted Consequence/Location: Frameshift: predicted to result in a loss or disruption of normal protein function through protein truncation. The predicted truncated protein may be shortened by more than 10%. The variant has been reported at least twice as pathogenic with clinical assertions and evidence for the classification (ClinVar ID: VCV000280988 /PMID: 9285796). Therefore, this variant is classified as Pathogenic according to the recommendation of ACMG/AMP guideline.

Labcorp Genetics (formerly Invitae), Labcorp
Classification: Pathogenic for Mucopolysaccharidosis, MPS-III-A. Last evaluated: 2025-10-10. Review status: criteria provided, single submitter. Criteria: Invitae Variant Classification Sherloc (09022015). Collection method: clinical testing. Allele origin: germline.
Comment: This sequence change creates a premature translational stop signal (p.Val379Cysfs*34) in the SGSH gene. While this is not anticipated to result in nonsense mediated decay, it is expected to disrupt the last 124 amino acid(s) of the SGSH protein. This variant is present in population databases (rs777956287, gnomAD 0.007%). This premature translational stop signal has been observed in individual(s) with mucopolysaccharidosis type III (PMID: 9285796, 15146460, 24875751). This variant is also known as delG1147 CCGT->CC-T. ClinVar contains an entry for this variant (Variation ID: 280988). For these reasons, this variant has been classified as Pathogenic.

Natera, Inc.
Classification: Pathogenic for Mucopolysaccharidosis type IIIA. Last evaluated: 2024-10-21. Review status: criteria provided, single submitter. Criteria: Natera Variant Classification Schema (03/2026). Collection method: clinical testing. Allele origin: germline.
Comment: The c.1135delG variant in SGSH is a frameshift variant predicted to shift the reading frame beginning at codon 379 and leads to a stop codon 34 codons downstream. This variant is expected to result in nonsense mediated decay, truncation, or a dysfunctional protein product. This variant is rare in the general population with a frequency below the threshold expected for the associated phenotype(s). This variant has been observed in one or more individuals affected with the associated recessive disease, as either homozygous or compound heterozygous with a second variant (PMID: 24875751). Given the available evidence, this variant is classified as Pathogenic.

Blueprint Genetics
Classification: Pathogenic for SGSH-related disorders. Last evaluated: 2024-08-07. Review status: criteria provided, single submitter. Criteria: ACMG Guidelines, 2015. Collection method: clinical testing. Allele origin: germline. Affected: yes. Observed: 5 variant alleles.

Fulgent Genetics
Classification: Pathogenic for Mucopolysaccharidosis, MPS-III-A. Last evaluated: 2024-05-07. Review status: criteria provided, single submitter. Criteria: ACMG Guidelines, 2015. Collection method: clinical testing. Allele origin: germline.

Laboratory of Medical Genetics, National & Kapodistrian University of Athens
Classification: Pathogenic for Mucopolysaccharidosis, MPS-III-A. Last evaluated: 2024-02-01. Review status: criteria provided, single submitter. Criteria: ACMG Guidelines, 2015. Collection method: curation. Allele origin: germline. Affected: no.

CeGaT Center for Human Genetics Tuebingen
Classification: Pathogenic. Last evaluated: 2023-10-01. Review status: criteria provided, single submitter. Criteria: CeGaT Center For Human Genetics Tuebingen Variant Classification Criteria Version 2. Collection method: clinical testing. Allele origin: germline. Affected: yes. Observed: 2 variant alleles.
Comment: SGSH: PM3:Strong, PVS1:Strong, PM2

Department of Human Genetics, Hannover Medical School
Classification: Likely pathogenic for Mucopolysaccharidosis, MPS-III-A. Last evaluated: 2023-01-06. Review status: criteria provided, single submitter. Criteria: ACMG Guidelines, 2015. Collection method: clinical testing. Allele origin: germline. Inheritance: Autosomal recessive inheritance. Affected: yes.

Genome-Nilou Lab
Classification: Pathogenic for Mucopolysaccharidosis, MPS-III-A. Last evaluated: 2021-11-07. Review status: criteria provided, single submitter. Criteria: ACMG Guidelines, 2015. Collection method: clinical testing. Allele origin: germline. Affected: no.

Women's Health and Genetics/Laboratory Corporation of America, LabCorp
Classification: Pathogenic for Mucopolysaccharidosis, MPS-III-A. Last evaluated: 2020-02-16. Review status: criteria provided, single submitter. Criteria: LabCorp Variant Classification Summary - May 2015. Collection method: clinical testing. Allele origin: germline.
Comment: Variant summary: SGSH c.1135delG (p.Val379CysfsX34) results in a premature termination codon, predicted to cause a truncation of the encoded protein or absence of the protein due to nonsense mediated decay, which are commonly known mechanisms for disease. The variant was absent in 250996 control chromosomes. c.1135delG has been reported in the literature in multiple individuals affected with Mucopolysaccharidosis Type IIIA (Sanfilippo Syndrome A) (example, Weber_1997, Chistiakov_2014). These data indicate that the variant is very likely to be associated with disease. At least one publication reports experimental evidence evaluating an impact on protein function. The most pronounced variant effect results in the expression of a truncated protein that is degraded in the ER prior to sorting site in the Golgi (Muschol_2004). Two clinical diagnostic laboratories have submitted clinical-significance assessments for this variant to ClinVar after 2014 without evidence for independent evaluation. All laboratories classified the variant as pathogenic. Based on the evidence outlined above, the variant was classified as pathogenic.

Eurofins Ntd Llc (ga)
Classification: Pathogenic. Last evaluated: 2016-09-02. Review status: criteria provided, single submitter. Criteria: EGL Classification Definitions 2015. Collection method: clinical testing. Allele origin: germline. Observed: 1 variant allele, 1 heterozygote.

Illumina Laboratory Services, Illumina
Classification: Pathogenic for Mucopolysaccharidosis, Type III. Last evaluated: 2016-06-14. Review status: criteria provided, single submitter. Criteria: ICSL Variant Classification 20161018. Collection method: clinical testing. Allele origin: germline.
Comment: The c.1135delG (p.Val379CysfsTer34) variant (also known as delG1147) results in a frameshift, and is predicted to result in premature termination of the protein. The p.Val379CysfsTer variant has been identified in at least six patients with mucopolysaccharidosis type III, including one in a homozygous state and five in a compound heterozygous state (Weber et al. 1997; Muschol et al. 2004; Chistiakov et al. 2014). Control data are unavailable for this variant, which is not found in the 1000 Genomes Project, the Exome Sequencing Project, or the Exome Aggregation Consortium. Muschol et al. (2004) demonstrated that the p.Val379CysfsTer34 variant protein is degraded in the endoplasmic reticulum prior to the sorting site in the Golgi apparatus. In addition, Chistiakov et al. (2014) showed that the variant resulted in markedly reduced enzyme activity in patients compared to control levels. Patients who were compound heterozygous for the p.Val379CysfsTer34 variant and a common missense variant (p.Arg74Cys), had residual SGSH activity which was intermediate between the enzymatic activity in individuals who were homozygous for the p.Arg74Cys variant and those who were compound heterozygous for the p.Arg74Cys variant. Due to the potential impact of frameshift variants and the supporting evidence from the literature, the p.Val379CysfsTer34 variant is classified as pathogenic for mucopolysaccharidosis type III.

Literature cited by the submitters: PubMed 9285796 (cited by 5 submitters); PubMed 15146460 (cited by 4 submitters); PubMed 24875751 (cited by 4 submitters); PubMed 11668611 (cited by Women's Health and Genetics/Laboratory Corporation of America, LabCorp and Illumina Laboratory Services, Illumina).

NM_000199.5(SGSH):c.1135del (p.Val379fs)

Gene: SGSH (N-sulfoglucosamine sulfohydrolase; minus strand). Cytogenetic location: 17q25.3.
Variant type: Deletion.
Coding change: c.1135del on transcript NM_000199.5 (MANE Select); coding-DNA position 1135, one base deleted (G; older notation c.1135delG).
Protein change: p.Val379fs; shifts the reading frame from valine 379.
Molecular consequence: frameshift variant. On other transcripts: 3 prime UTR variant (2), non-coding transcript variant (1).
Genome position (GRCh38, 1-based): chr17:80,210,826, C deleted on the plus strand (G on the coding strand, the reverse complement: SGSH is on the minus strand). VCF-style (leftmost placement, unchanged base first): chr17-80210825-AC-A. GRCh37 (hg19) VCF-style: chr17-78184624-AC-A.
Other names: c.*222del (NM_001352921.3); c.*185del (NM_001352922.2); c.1135delG (NM_000199.4); short protein forms V379fs.
Identifiers: ClinVar variation 280988 (VCV000280988.52), dbSNP rs777956287, ClinGen allele CA8817663.